The following is an entry in ClinVar:

ClinVar aggregate classification (germline): Uncertain significance (1 of 4 stars; one submission).

Conditions:
Spastic paraplegia. Identifiers: MedGen C0037772, HP:0001258.

Submission:

Labcorp Genetics (formerly Invitae), Labcorp
Classification: Uncertain significance for Spastic paraplegia. Last evaluated: 2022-08-16. Review status: criteria provided, single submitter. Criteria: Invitae Variant Classification Sherloc (09022015). Collection method: clinical testing. Allele origin: germline.
Comment: Algorithms developed to predict the effect of missense changes on protein structure and function are either unavailable or do not agree on the potential impact of this missense change (SIFT: "Deleterious"; PolyPhen-2: "Probably Damaging"; Align-GVGD: "Class C0"). ClinVar contains an entry for this variant (Variation ID: 1492872). This variant has not been reported in the literature in individuals affected with AP4E1-related conditions. This variant is not present in population databases (gnomAD no frequency). This sequence change replaces leucine, which is neutral and non-polar, with proline, which is neutral and non-polar, at codon 1065 of the AP4E1 protein (p.Leu1065Pro). In summary, the available evidence is currently insufficient to determine the role of this variant in disease. Therefore, it has been classified as a Variant of Uncertain Significance.

NM_007347.5(AP4E1):c.3194T>C (p.Leu1065Pro)

Gene: AP4E1 (adaptor related protein complex 4 subunit epsilon 1; plus strand). Cytogenetic location: 15q21.2.
Variant type: single nucleotide variant.
Coding change: c.3194T>C on transcript NM_007347.5 (MANE Select); coding-DNA position 3194, T replaced by C.
Protein change: p.Leu1065Pro; replaces leucine 1065 with proline.
Molecular consequence: missense variant.
Genome position (GRCh38, 1-based): chr15:51,001,124, T>C. VCF-style: chr15-51001124-T-C. GRCh37 (hg19) VCF-style: chr15-51293321-T-C.
Other names: c.2969T>C, p.Leu990Pro (NM_001252127.2); short protein forms L1065P, L990P.
Identifiers: ClinVar variation 1492872 (VCV001492872.8), dbSNP rs2140939426, ClinGen allele CA392422067.